The following is an entry in ClinVar:

NM_005739.4(RASGRP1):c.743T>C (p.Ile248Thr)

Gene: RASGRP1 (RAS guanyl releasing protein 1; minus strand). Cytogenetic location: 15q14.
Variant type: single nucleotide variant.
Coding change: c.743T>C on transcript NM_005739.4 (MANE Select); coding-DNA position 743, T replaced by C.
Protein change: p.Ile248Thr; replaces isoleucine 248 with threonine.
Molecular consequence: missense variant.
Genome position (GRCh38, 1-based): chr15:38,512,889, A>G on the plus strand (T>C on the coding strand, the complement: RASGRP1 is on the minus strand). VCF-style: chr15-38512889-A-G. GRCh37 (hg19) VCF-style: chr15-38805090-A-G.
Other names: c.743T>C, p.Ile248Thr (NM_001128602.2, NM_001306086.2); short protein forms I248T.
Identifiers: ClinVar variation 1482839 (VCV001482839.8), dbSNP rs2141115489, ClinGen allele CA391651733.

ClinVar aggregate classification (germline): Uncertain significance (1 of 4 stars; one submission).

Allele frequency attached by ClinVar (database versions not stated): gnomAD exomes below 0.00001.
gnomAD v4.1: 1 of 1,611,268 alleles (0.000062%); highest among the groups gnomAD compares: Non-Finnish European, 0.000085%; no homozygotes.

Submission:

Labcorp Genetics (formerly Invitae), Labcorp
Classification: Uncertain significance. Last evaluated: 2021-03-30. Review status: criteria provided, single submitter. Criteria: Invitae Variant Classification Sherloc (09022015). Collection method: clinical testing. Allele origin: germline.
Comment: This sequence change replaces isoleucine with threonine at codon 248 of the RASGRP1 protein (p.Ile248Thr). The isoleucine residue is highly conserved and there is a moderate physicochemical difference between isoleucine and threonine. In summary, the available evidence is currently insufficient to determine the role of this variant in disease. Therefore, it has been classified as a Variant of Uncertain Significance. Algorithms developed to predict the effect of missense changes on protein structure and function (SIFT, PolyPhen-2, Align-GVGD) all suggest that this variant is likely to be disruptive, but these predictions have not been confirmed by published functional studies and their clinical significance is uncertain. This variant has not been reported in the literature in individuals with RASGRP1-related conditions. This variant is not present in population databases (ExAC no frequency).